The following is an entry in ClinVar:

NM_005379.4(MYO1A):c.2572A>G (p.Lys858Glu)

Gene: MYO1A (myosin IA; minus strand). Cytogenetic location: 12q13.3.
Variant type: single nucleotide variant.
Coding change: c.2572A>G on transcript NM_005379.4 (MANE Select); coding-DNA position 2572, A replaced by G.
Protein change: p.Lys858Glu; replaces lysine 858 with glutamic acid.
Molecular consequence: missense variant.
Genome position (GRCh38, 1-based): chr12:57,030,229, T>C on the plus strand (A>G on the coding strand, the complement: MYO1A is on the minus strand). VCF-style: chr12-57030229-T-C. GRCh37 (hg19) VCF-style: chr12-57424013-T-C.
Other names: c.2572A>G, p.Lys858Glu (NM_001256041.2); short protein forms K858E.
Identifiers: ClinVar variation 45310 (VCV000045310.5), dbSNP rs142017261, ClinGen allele CA136008.

ClinVar aggregate classification (germline): Uncertain significance (1 of 4 stars; one submission).

Allele frequency attached by ClinVar (database versions not stated): gnomAD exomes 0.00001; ExAC 0.00002; gnomAD 0.00004 and 0.00005; TOPMed 0.00004; ESP Exome Variant Server 0.00008.
gnomAD v4.1: 58 of 1,614,040 alleles (0.0036%); highest among the groups gnomAD compares: Non-Finnish European, 0.0048%; no homozygotes.

Submission:

Laboratory for Molecular Medicine, Mass General Brigham Personalized Medicine
Classification: Uncertain significance. Last evaluated: 2012-12-28. Review status: criteria provided, single submitter. Criteria: LMM Criteria. Collection method: clinical testing. Allele origin: germline. Observed: 2 variant alleles.
Comment: The Lys858Glu variant in MYO1A has not been reported in the literature nor previ ously identified by our laboratory. Computational analyses (biochemical amino ac id properties, conservation, AlignGVGD, PolyPhen2, and SIFT) suggest that the Ly s858Glu variant may impact the protein, though this information is not predictiv e enough to determine pathogenicity. This variant has been identified in 0.01% ( 1/8600) of European American chromosomes in a broad population by the NHLBI Exom e sequencing project (dbSNP rs142017261). Alt hough this variant has been seen in the general population, its frequency is not high enough to rule out a pathogenic role. In summary, additional data is neede d to determine the clinical significance of this variant.